The following is an entry in ClinVar:

NM_006755.2(TALDO1):c.750dup (p.Asp251Ter)

Gene: TALDO1 (transaldolase 1; plus strand). Cytogenetic location: 11p15.5.
Variant type: Duplication.
Coding change: c.750dup on transcript NM_006755.2 (MANE Select); coding-DNA position 750, one base duplicated (T; older notation c.750dupT).
Protein change: p.Asp251Ter; replaces aspartic acid 251 with a stop codon.
Molecular consequence: nonsense.
Genome position (GRCh38, 1-based): chr11:763,859, T duplicated. VCF-style (leftmost placement, unchanged base first): chr11-763858-G-GT. GRCh37 (hg19) VCF-style: chr11-763858-G-GT.
Other names: c.750dupT (NM_006755.1); short protein forms D251*.
Identifiers: ClinVar variation 817009 (VCV000817009.3), dbSNP rs1590072094, ClinGen allele CA915948737.

ClinVar aggregate classification (germline): Likely pathogenic (1 of 4 stars; one submission).

Submission:

GeneDx
Classification: Likely pathogenic. Last evaluated: 2021-02-01. Review status: criteria provided, single submitter. Criteria: GeneDx Variant Classification Process June 2021. Collection method: clinical testing. Allele origin: germline. Affected: yes.
Comment: Nonsense variant predicted to result in protein truncation or nonsense mediated decay in a gene for which loss-of-function is a known mechanism of disease; Not observed in large population cohorts (Lek et al., 2016); Has not been previously published as pathogenic or benign to our knowledge